The following is an entry in ClinVar:

ClinVar aggregate classification (germline): Uncertain significance (1 of 4 stars; one submission).

Conditions:
TRIOBP-related disorder. Also called: TRIOBP-related condition.

Submission:

PreventionGenetics, part of Exact Sciences
Classification: Uncertain significance for TRIOBP-related condition. Last evaluated: 2025-09-11. Review status: criteria provided, single submitter. Criteria: ACMG Guidelines, 2015. Collection method: clinical testing. Allele origin: germline.
Comment: The TRIOBP c.1631C>G variant is predicted to result in the amino acid substitution p.Ala544Gly. To our knowledge, this variant has not been reported in the literature or in a large population database (gnomAD), indicating this variant is rare. At this time, the clinical significance of this variant is uncertain due to the absence of conclusive functional and genetic evidence.

NM_001039141.3(TRIOBP):c.1631C>G (p.Ala544Gly)

Gene: TRIOBP (TRIO and F-actin binding protein; plus strand). Cytogenetic location: 22q13.1.
Variant type: single nucleotide variant.
Coding change: c.1631C>G on transcript NM_001039141.3 (MANE Select); coding-DNA position 1631, C replaced by G.
Protein change: p.Ala544Gly; replaces alanine 544 with glycine.
Molecular consequence: missense variant.
Genome position (GRCh38, 1-based): chr22:37,724,187, C>G. VCF-style: chr22-37724187-C-G. GRCh37 (hg19) VCF-style: chr22-38120194-C-G.
Other names: short protein forms A544G.
Identifiers: ClinVar variation 4979551 (VCV004979551.1).